The following is an entry in ClinVar:

NM_001231.5(CASQ1):c.15C>G (p.Asp5Glu)

Gene: CASQ1 (calsequestrin 1; plus strand). Cytogenetic location: 1q23.2.
Variant type: single nucleotide variant.
Coding change: c.15C>G on transcript NM_001231.5 (MANE Select); coding-DNA position 15, C replaced by G.
Protein change: p.Asp5Glu; replaces aspartic acid 5 with glutamic acid.
Molecular consequence: missense variant.
Genome position (GRCh38, 1-based): chr1:160,190,766, C>G. VCF-style: chr1-160190766-C-G. GRCh37 (hg19) VCF-style: chr1-160160556-C-G.
Other names: c.15C>G (NM_001231.4); short protein forms D5E.
Identifiers: ClinVar variation 1937954 (VCV001937954.7), dbSNP rs778009078, ClinGen allele CA1196050.

ClinVar aggregate classification (germline): Uncertain significance. Review status: criteria provided, multiple submitters, no conflicts (2 of 4 stars). 2 submissions from 2 submitters: Uncertain significance (2). Last evaluated 2024-12-17.

Conditions:
Inborn genetic diseases. Identifiers: MedGen C0950123, MeSH D030342.

Allele frequency attached by ClinVar (database versions not stated): TOPMed below 0.00001; ExAC 0.00001; gnomAD exomes 0.00001.

Submissions (2):

Ambry Genetics
Classification: Uncertain significance for Inborn genetic diseases. Last evaluated: 2024-12-17. Review status: criteria provided, single submitter. Criteria: Ambry Variant Classification Scheme 2023. Collection method: clinical testing. Allele origin: germline.
Comment: The p.D5E variant (also known as c.15C>G), located in coding exon 1 of the CASQ1 gene, results from a C to G substitution at nucleotide position 15. The aspartic acid at codon 5 is replaced by glutamic acid, an amino acid with highly similar properties. This amino acid position is conserved. In addition, this alteration is predicted to be tolerated by in silico analysis. Based on the available evidence, the clinical significance of this variant remains unclear.

Labcorp Genetics (formerly Invitae), Labcorp
Classification: Uncertain significance. Last evaluated: 2022-09-01. Review status: criteria provided, single submitter. Criteria: Invitae Variant Classification Sherloc (09022015). Collection method: clinical testing. Allele origin: germline.
Comment: In summary, the available evidence is currently insufficient to determine the role of this variant in disease. Therefore, it has been classified as a Variant of Uncertain Significance. Algorithms developed to predict the effect of missense changes on protein structure and function (SIFT, PolyPhen-2, Align-GVGD) all suggest that this variant is likely to be tolerated. This variant has not been reported in the literature in individuals affected with CASQ1-related conditions. This variant is present in population databases (rs778009078, gnomAD 0.009%). This sequence change replaces aspartic acid, which is acidic and polar, with glutamic acid, which is acidic and polar, at codon 5 of the CASQ1 protein (p.Asp5Glu).